The following is an entry in ClinVar:

NM_000260.4(MYO7A):c.2789A>C (p.Glu930Ala)

Gene: MYO7A (myosin VIIA; plus strand). Cytogenetic location: 11q13.5.
Variant type: single nucleotide variant.
Coding change: c.2789A>C on transcript NM_000260.4 (MANE Select); coding-DNA position 2789, A replaced by C.
Protein change: p.Glu930Ala; replaces glutamic acid 930 with alanine.
Molecular consequence: missense variant.
Genome position (GRCh38, 1-based): chr11:77,181,474, A>C. VCF-style: chr11-77181474-A-C. GRCh37 (hg19) VCF-style: chr11-76892520-A-C.
Other names: c.2789A>C, p.Glu930Ala (NM_001127180.2); c.2756A>C, p.Glu919Ala (NM_001369365.1); short protein forms E919A, E930A.
Identifiers: ClinVar variation 3371869 (VCV003371869.1).

ClinVar aggregate classification (germline): Uncertain significance (1 of 4 stars; one submission).

Submission:

GeneDx
Classification: Uncertain significance. Last evaluated: 2024-04-03. Review status: criteria provided, single submitter. Criteria: GeneDx Variant Classification Process June 2021. Collection method: clinical testing. Allele origin: germline. Affected: yes.
Comment: Not observed at significant frequency in large population cohorts (gnomAD); In silico analysis supports that this missense variant has a deleterious effect on protein structure/function; Has not been previously published as pathogenic or benign to our knowledge